The following is an entry in ClinVar:

NM_001903.5(CTNNA1):c.160C>G (p.Arg54Gly)

Gene: CTNNA1 (catenin alpha 1; plus strand). Cytogenetic location: 5q31.2.
Variant type: single nucleotide variant.
Coding change: c.160C>G on transcript NM_001903.5 (MANE Select); coding-DNA position 160, C replaced by G.
Protein change: p.Arg54Gly; replaces arginine 54 with glycine.
Molecular consequence: missense variant. On other transcripts: 5 prime UTR variant (1), intron variant (1).
Genome position (GRCh38, 1-based): chr5:138,783,231, C>G. VCF-style: chr5-138783231-C-G. GRCh37 (hg19) VCF-style: chr5-138118920-C-G.
Other names: c.160C>G, p.Arg54Gly (NM_001290307.3, NM_001323982.2, NM_001323983.1 and 3 more transcripts); c.-47C>G (NM_001290310.3); c.-9+1202C>G (NM_001290309.3); short protein forms R54G.
Identifiers: ClinVar variation 839058 (VCV000839058.13), dbSNP rs781520852, ClinGen allele CA128716555.
Genomic context (GRCh38, chr5:138,783,231, plus strand): 5'-TTTTAGGTTACAACCCTTGTAAACACCAATAGTAAAGGGCCCTCTAATAAGAAGAGAGGT[C>G]GTTCTAAGAAGGCCCATGTTTTGGCTGCATCTGTTGAACAAGCAACTGAGAATTTCTTGG-3'
Protein context (NP_001894.2, residues 44-64): SKGPSNKKRG[Arg54Gly]SKKAHVLAAS

ClinVar aggregate classification (germline): Uncertain significance. Review status: criteria provided, multiple submitters, no conflicts (2 of 4 stars). 3 submissions from 3 submitters: Uncertain significance (3). Last evaluated 2026-01-21.

Conditions:
Hereditary cancer-predisposing syndrome. Also called: Neoplastic Syndromes, Hereditary; Hereditary neoplastic syndrome; Tumor predisposition; Hereditary Cancer Syndrome. Identifiers: Orphanet 140162, MedGen C0027672, MeSH D009386, MONDO:0015356.

Allele frequency attached by ClinVar (database versions not stated): TOPMed 0.00001.
gnomAD v4.1: 2 of 1,613,988 alleles (0.00012%); highest among the groups gnomAD compares: Non-Finnish European, 0.00017%; no homozygotes.

Submissions (3):

Labcorp Genetics (formerly Invitae), Labcorp
Classification: Uncertain significance. Last evaluated: 2026-01-21. Review status: criteria provided, single submitter. Criteria: Invitae Variant Classification Sherloc (09022015). Collection method: clinical testing. Allele origin: germline.
Comment: This sequence change replaces arginine, which is basic and polar, with glycine, which is neutral and non-polar, at codon 54 of the CTNNA1 protein (p.Arg54Gly). This variant is not present in population databases (gnomAD no frequency). This variant has not been reported in the literature in individuals affected with CTNNA1-related conditions. ClinVar contains an entry for this variant (Variation ID: 839058). Invitae Evidence Modeling of protein sequence and biophysical properties (such as structural, functional, and spatial information, amino acid conservation, physicochemical variation, residue mobility, and thermodynamic stability) indicates that this missense variant is not expected to disrupt CTNNA1 protein function with a negative predictive value of 80%. In summary, the available evidence is currently insufficient to determine the role of this variant in disease. Therefore, it has been classified as a Variant of Uncertain Significance.

GeneDx
Classification: Uncertain significance. Last evaluated: 2024-09-15. Review status: criteria provided, single submitter. Criteria: GeneDx Variant Classification Process June 2021. Collection method: clinical testing. Allele origin: germline.
Comment: Not observed at significant frequency in large population cohorts (gnomAD); In silico analysis supports that this missense variant has a deleterious effect on protein structure/function; Has not been previously published as pathogenic or benign to our knowledge; This variant is associated with the following publications: (PMID: 32051609)

Ambry Genetics
Classification: Uncertain significance for Hereditary cancer-predisposing syndrome. Last evaluated: 2024-06-17. Review status: criteria provided, single submitter. Criteria: Ambry Variant Classification Scheme 2023. Collection method: clinical testing. Allele origin: germline.
Comment: The p.R54G variant (also known as c.160C>G), located in coding exon 2 of the CTNNA1 gene, results from a C to G substitution at nucleotide position 160. The arginine at codon 54 is replaced by glycine, an amino acid with dissimilar properties. This amino acid position is highly conserved in available vertebrate species. In addition, the in silico prediction for this alteration is inconclusive. The evidence for this gene-disease relationship is limited; therefore, the clinical significance of this alteration is unclear.